The following is an entry in ClinVar:

ClinVar aggregate classification (germline): Uncertain significance (1 of 4 stars; one submission).

Allele frequency attached by ClinVar (database versions not stated): TOPMed below 0.00001; gnomAD 0.00001; gnomAD exomes 0.00001.
gnomAD v4.1: 7 of 1,613,886 alleles (0.00043%); highest among the groups gnomAD compares: Non-Finnish European, 0.00059%; no homozygotes.

Submission:

Labcorp Genetics (formerly Invitae), Labcorp
Classification: Uncertain significance. Last evaluated: 2022-11-24. Review status: criteria provided, single submitter. Criteria: Invitae Variant Classification Sherloc (09022015). Collection method: clinical testing. Allele origin: germline.
Comment: This sequence change affects codon 175 of the KCNH1 mRNA. It is a 'silent' change, meaning that it does not change the encoded amino acid sequence of the KCNH1 protein. This variant is present in population databases (no rsID available, gnomAD 0.002%). This variant has not been reported in the literature in individuals affected with KCNH1-related conditions. Algorithms developed to predict the effect of sequence changes on RNA splicing suggest that this variant may disrupt the consensus splice site. In summary, the available evidence is currently insufficient to determine the role of this variant in disease. Therefore, it has been classified as a Variant of Uncertain Significance.

NM_172362.3(KCNH1):c.525C>T (p.Gly175=)

Gene: KCNH1 (potassium voltage-gated channel subfamily H member 1; minus strand). Cytogenetic location: 1q32.2.
Variant type: single nucleotide variant.
Coding change: c.525C>T on transcript NM_172362.3 (MANE Select); coding-DNA position 525, C replaced by T.
Protein change: p.Gly175=; no amino-acid change (glycine 175 retained).
Molecular consequence: synonymous variant.
Genome position (GRCh38, 1-based): chr1:211,082,813, G>A on the plus strand (C>T on the coding strand, the complement: KCNH1 is on the minus strand). VCF-style: chr1-211082813-G-A. GRCh37 (hg19) VCF-style: chr1-211256155-G-A.
Other names: c.525C>T, p.Gly175= (NM_002238.4).
Identifiers: ClinVar variation 2799715 (VCV002799715.3), dbSNP rs1032565443, ClinGen allele CA37156736.